The following is an entry in ClinVar:

NM_024426.6(WT1):c.950G>A (p.Gly317Glu)

Gene: WT1 (WT1 transcription factor; minus strand). Cytogenetic location: 11p13.
Variant type: single nucleotide variant.
Coding change: c.950G>A on transcript NM_024426.6 (MANE Select); coding-DNA position 950, G replaced by A.
Protein change: p.Gly317Glu; replaces glycine 317 with glutamic acid.
Molecular consequence: missense variant. On other transcripts: non-coding transcript variant (1).
Genome position (GRCh38, 1-based): chr11:32,417,592, C>T on the plus strand (G>A on the coding strand, the complement: WT1 is on the minus strand). VCF-style: chr11-32417592-C-T. GRCh37 (hg19) VCF-style: chr11-32439138-C-T.
Other names: c.950G>A, p.Gly317Glu (NM_000378.6, NM_001407044.1, NM_001407045.1 and 4 more transcripts); c.299G>A, p.Gly100Glu (NM_001198551.2, NM_001198552.2); c.827G>A, p.Gly276Glu (NM_001407047.1, NM_001407050.1); c.188G>A, p.Gly63Glu (NM_001407051.1); c.935G>A, p.Gly312Glu (NM_024425.2); c.935G>A (NM_024426.4); short protein forms G100E, G317E, G63E, G276E.
Identifiers: ClinVar variation 620630 (VCV000620630.4), dbSNP rs1564987636, ClinGen allele CA379962044.
Genomic context (GRCh38, chr11:32,417,592, plus strand): 5'-GGTATAAGTTACTGTGGAAAGGCAATGGAATAGAGAAAACCTTACCCCTTTAAGGTGGCT[C>T]CTAAGTTCATCTGATTCCAGGTCATGCATTCAAGCTGGGATGTCATTTGGTATAAATTGT-3'
Protein context (NP_077744.4, residues 307-327): ECMTWNQMNL[Gly317Glu]ATLKGVAAGS

ClinVar aggregate classification (germline): Uncertain significance. Review status: criteria provided, multiple submitters, no conflicts (2 of 4 stars). 2 submissions from 2 submitters: Uncertain significance (2). Last evaluated 2025-09-03.

Conditions:
Mixed phenotype acute leukemia with t(v;11q23.3). Also called: Mixed phenotype acute leukemia with MLL rearranged; Mixed Phenotype Acute Leukemia with t(v;11q23.3); KMT2A Rearranged. Identifiers: Orphanet 589595, MedGen C2826048, MONDO:0850450, MONDO:0035642.
Inborn genetic diseases. Identifiers: MedGen C0950123, MeSH D030342.

Allele frequency attached by ClinVar (database versions not stated): gnomAD 0.00001; gnomAD exomes 0.00001.
gnomAD v4.1: 4 of 1,613,950 alleles (0.00025%); highest among the groups gnomAD compares: East Asian, 0.0089%; no homozygotes.

Submissions (2):

Ambry Genetics
Classification: Uncertain significance for Inborn genetic diseases. Last evaluated: 2025-09-03. Review status: criteria provided, single submitter. Criteria: Ambry Variant Classification Scheme 2023. Collection method: clinical testing. Allele origin: germline.
Comment: The p.G312E variant (also known as c.935G>A), located in coding exon 4 of the WT1 gene, results from a G to A substitution at nucleotide position 935. The glycine at codon 312 is replaced by glutamic acid, an amino acid with similar properties. This amino acid position is highly conserved in available vertebrate species. In addition, this alteration is predicted to be deleterious by in silico analysis. Based on the available evidence, the clinical significance of this variant remains unclear.

St. Jude Molecular Pathology, St. Jude Children's Research Hospital
Classification: Uncertain significance for Mixed Phenotype Acute Leukemia with t(v;11q23.3); KMT2A Rearranged. Last evaluated: 2017-04-03. Review status: criteria provided, single submitter. Criteria: ACMG Guidelines, 2015. Collection method: clinical testing. Allele origin: germline. Affected: yes.